The following is an entry in ClinVar:

NM_000057.4(BLM):c.3957A>G (p.Ile1319Met)

Gene: BLM (BLM RecQ like helicase; plus strand). Cytogenetic location: 15q26.1.
Variant type: single nucleotide variant.
Coding change: c.3957A>G on transcript NM_000057.4 (MANE Select); coding-DNA position 3957, A replaced by G.
Protein change: p.Ile1319Met; replaces isoleucine 1319 with methionine.
Molecular consequence: missense variant.
Genome position (GRCh38, 1-based): chr15:90,811,287, A>G. VCF-style: chr15-90811287-A-G. GRCh37 (hg19) VCF-style: chr15-91354517-A-G.
Other names: c.3957A>G, p.Ile1319Met (NM_001287246.2); c.3564A>G, p.Ile1188Met (NM_001287247.2); c.2832A>G, p.Ile944Met (NM_001287248.2); short protein forms I1188M, I1319M, I944M.
Identifiers: ClinVar variation 4867501 (VCV004867501.1).
Genomic context (GRCh38, chr15:90,811,287, plus strand): 5'-AAGCCTGTCCAGCAGCAGAGGCCCCGGAAGAAGTGCCGCTGAGGAGCTCGACGAGGAAAT[A>G]CCCGTATCTTCCCACTACTTTGCAAGTAAAACCAGAAATGAAAGGAAGAGGAAAAAGATG-3'
Protein context (NP_000048.1, residues 1309-1329): RSAAEELDEE[Ile1319Met]PVSSHYFASK

ClinVar aggregate classification (germline): Uncertain significance (1 of 4 stars; one submission).

Conditions:
Hereditary cancer-predisposing syndrome. Also called: Neoplastic Syndromes, Hereditary; Tumor predisposition; Hereditary Cancer Syndrome; Hereditary neoplastic syndrome. Identifiers: Orphanet 140162, MedGen C0027672, MeSH D009386, MONDO:0015356.

Submission:

Ambry Genetics
Classification: Uncertain significance for Hereditary cancer-predisposing syndrome. Last evaluated: 2026-05-01. Review status: criteria provided, single submitter. Criteria: Ambry Variant Classification Scheme 2023. Collection method: clinical testing. Allele origin: germline.
Comment: The p.I1319M variant (also known as c.3957A>G), located in coding exon 20 of the BLM gene, results from an A to G substitution at nucleotide position 3957. The isoleucine at codon 1319 is replaced by methionine, an amino acid with highly similar properties. This amino acid position is conserved. In addition, this alteration is predicted to be tolerated by in silico analysis. Based on the available evidence, the clinical significance of this variant remains unclear.